The following is an entry in ClinVar:

ClinVar aggregate classification (germline): Uncertain significance. Review status: criteria provided, multiple submitters, no conflicts (2 of 4 stars). 3 submissions from 3 submitters: Uncertain significance (3). Last evaluated 2026-09-17.

Conditions:
ARID1B-Related Disorder. Identifiers: MedGen CN381337.

Allele frequency attached by ClinVar (database versions not stated): gnomAD exomes below 0.00001; TOPMed 0.00001.
gnomAD v4.1: 3 of 1,607,496 alleles (0.00019%); highest among the groups gnomAD compares: Non-Finnish European, 0.00025%; no homozygotes.

Submissions (3):

PreventionGenetics, part of Exact Sciences
Classification: Uncertain significance for ARID1B-related condition. Last evaluated: 2026-09-17. Review status: criteria provided, single submitter. Criteria: ACMG Guidelines, 2015. Collection method: clinical testing. Allele origin: germline.
Comment: The ARID1B c.3557C>T variant is predicted to result in the amino acid substitution p.Ser1186Leu. This variant was reported in an individual from a large cohort of patients with neurodevelopmental disorders and autism without further evidence for pathogenicity (Stessman et al. 2017. PubMed ID: 28191889). This variant is absent from population database (gnomAD), indicating this variant is rare. At this time, the clinical significance of this variant is uncertain due to the absence of conclusive functional and genetic evidence.

Labcorp Genetics (formerly Invitae), Labcorp
Classification: Uncertain significance. Last evaluated: 2023-07-16. Review status: criteria provided, single submitter. Criteria: Invitae Variant Classification Sherloc (09022015). Collection method: clinical testing. Allele origin: germline.
Comment: This sequence change replaces serine, which is neutral and polar, with leucine, which is neutral and non-polar, at codon 1186 of the ARID1B protein (p.Ser1186Leu). In summary, the available evidence is currently insufficient to determine the role of this variant in disease. Therefore, it has been classified as a Variant of Uncertain Significance. This variant is not present in population databases (gnomAD no frequency). This missense change has been observed in individual(s) with neurodevelopmental delay (PMID: 28191889). ClinVar contains an entry for this variant (Variation ID: 1696941). Advanced modeling of protein sequence and biophysical properties (such as structural, functional, and spatial information, amino acid conservation, physicochemical variation, residue mobility, and thermodynamic stability) has been performed at Invitae for this missense variant, however the output from this modeling did not meet the statistical confidence thresholds required to predict the impact of this variant on ARID1B protein function.

GeneDx
Classification: Uncertain significance. Last evaluated: 2022-01-18. Review status: criteria provided, single submitter. Criteria: GeneDx Variant Classification Process June 2021. Collection method: clinical testing. Allele origin: germline. Affected: yes.
Comment: Identified in a cohort of patients with neurodevelopmental disorders (NDDs) in the published literature (Stessman et al., 2017); Not observed at significant frequency in large population cohorts (gnomAD); In silico analysis supports that this missense variant has a deleterious effect on protein structure/function; This variant is associated with the following publications: (PMID: 28191889)

Literature cited by the submitters: PubMed 28191889 (cited by Labcorp Genetics (formerly Invitae), Labcorp).

NM_001374828.1(ARID1B):c.3926C>T (p.Ser1309Leu)

Gene: ARID1B (AT-rich interaction domain 1B; plus strand). Cytogenetic location: 6q25.3.
Variant type: single nucleotide variant.
Coding change: c.3926C>T on transcript NM_001374828.1 (MANE Select); coding-DNA position 3926, C replaced by T.
Protein change: p.Ser1309Leu; replaces serine 1309 with leucine.
Molecular consequence: missense variant.
Genome position (GRCh38, 1-based): chr6:157,189,648, C>T. VCF-style: chr6-157189648-C-T. GRCh37 (hg19) VCF-style: chr6-157510782-C-T.
Other names: c.3557C>T (NM_020732.3); c.1427C>T, p.Ser476Leu (NM_001363725.2); c.3806C>T, p.Ser1269Leu (NM_001371656.1, NM_001374820.1); c.3767C>T, p.Ser1256Leu (NM_017519.3); short protein forms S1256L, S1269L, S1309L, S476L.
Identifiers: ClinVar variation 1696941 (VCV001696941.6), dbSNP rs1321954955, ClinGen allele CA366234007.
Genomic context (GRCh38, chr6:157,189,648, plus strand): 5'-TTACTTGATAATCTCTGGATTTCTTCCTGTTTCTCTTGGTGCTGCTACTATCAGCTAACT[C>T]GGGATCCTTGCAAGGCCCACAGACCCCCCAGTCAACTGGCAGCAATTCCATGGCAGAGGT-3'
Protein context (NP_001361757.1, residues 1299-1319): PKLQPPSPAN[Ser1309Leu]GSLQGPQTPQ